The following is an entry in ClinVar:

ClinVar aggregate classification (germline): Likely benign (1 of 4 stars; one submission).

Conditions:
Lynch syndrome 5 (LYNCH5). Also called: Colorectal cancer, hereditary nonpolyposis, type 5; Hereditary non-polyposis colorectal cancer, type 5. Identifiers: Orphanet 144, MedGen C1833477, MONDO:0013710, OMIM 614350. Disease mechanism: loss of function.

Submission:

Myriad Genetics, Inc.
Classification: Likely benign for Lynch syndrome 5. Last evaluated: 2025-01-07. Review status: criteria provided, single submitter. Criteria: Myriad Autosomal Dominant, Autosomal Recessive and X-Linked Classification Criteria (2023). Collection method: clinical testing. Allele origin: unknown.
Comment: This variant is considered likely benign. This variant is intronic and is not expected to impact mRNA splicing.

NM_000179.3(MSH6):c.3647-15_3647-13dup

Gene: MSH6 (mutS homolog 6; plus strand). Cytogenetic location: 2p16.3.
Variant type: Duplication.
Coding change: c.3647-15_3647-13dup on transcript NM_000179.3 (MANE Select); 15 bases into the intron before coding-DNA position 3647 through 13 bases into the intron before coding-DNA position 3647, 3 bases duplicated (ATT; older notation c.3647-15_3647-13dupATT).
Molecular consequence: intron variant.
Genome position (GRCh38, 1-based): chr2:47,806,189-47,806,191, ATT duplicated; duplicating any 3 consecutive bases within chr2:47,806,188-47,806,191 gives the same sequence; the c. name uses the placement nearest the transcript's 3' end. VCF-style (leftmost placement, unchanged base first): chr2-47806187-A-ATAT. GRCh37 (hg19) VCF-style: chr2-48033326-A-ATAT.
Other names: c.3647-15_3647-13dup (NM_001406809.1, NM_001406796.1, NM_001406808.1 and 1 more transcripts); c.2741-15_2741-13dup (NM_001406811.1, NM_001406814.1, NM_001281493.2 and 6 more transcripts); c.3350-15_3350-13dup (NM_001406805.1, NM_001406797.1, NM_001406801.1 and 10 more transcripts); c.3743-15_3743-13dup (NM_001406795.1, NM_001406802.1); c.3653-15_3653-13dup (NM_001406813.1); c.3122-15_3122-13dup (NM_001406807.1, NM_001406799.1, NM_001406806.1); c.3473-15_3473-13dup (NM_001406798.1); c.2783-15_2783-13dup (NM_001406803.1); and 7 more.
Identifiers: ClinVar variation 3904645 (VCV003904645.1).